The following is an entry in ClinVar:

NM_001363711.2(DUOX2):c.1569G>T (p.Arg523Ser)

Gene: DUOX2 (dual oxidase 2; minus strand). Cytogenetic location: 15q21.1.
Variant type: single nucleotide variant.
Coding change: c.1569G>T on transcript NM_001363711.2 (MANE Select); coding-DNA position 1569, G replaced by T.
Protein change: p.Arg523Ser; replaces arginine 523 with serine.
Molecular consequence: missense variant.
Genome position (GRCh38, 1-based): chr15:45,108,052, C>A on the plus strand (G>T on the coding strand, the complement: DUOX2 is on the minus strand). VCF-style: chr15-45108052-C-A. GRCh37 (hg19) VCF-style: chr15-45400250-C-A.
Other names: c.1569G>T, p.Arg523Ser (NM_014080.5); short protein forms R523S.
Identifiers: ClinVar variation 4015297 (VCV004015297.2).

ClinVar aggregate classification (germline): Uncertain significance. Review status: criteria provided, multiple submitters, no conflicts (2 of 4 stars). 2 submissions from 2 submitters: Uncertain significance (2). Last evaluated 2025-06-12.

Conditions:
Inborn genetic diseases. Identifiers: MedGen C0950123, MeSH D030342.

gnomAD v4.1: 82 of 1,613,810 alleles (0.0051%); highest among the groups gnomAD compares: Non-Finnish European, 0.0067%; no homozygotes.

Submissions (2):

Ambry Genetics
Classification: Uncertain significance for Inborn genetic diseases. Last evaluated: 2025-06-12. Review status: criteria provided, single submitter. Criteria: Ambry Variant Classification Scheme 2023. Collection method: clinical testing. Allele origin: germline.

Labcorp Genetics (formerly Invitae), Labcorp
Classification: Uncertain significance. Last evaluated: 2025-04-11. Review status: criteria provided, single submitter. Criteria: Invitae Variant Classification Sherloc (09022015). Collection method: clinical testing. Allele origin: germline.
Comment: This sequence change replaces arginine, which is basic and polar, with serine, which is neutral and polar, at codon 523 of the DUOX2 protein (p.Arg523Ser). This variant is present in population databases (rs780504474, gnomAD 0.003%). This variant has not been reported in the literature in individuals affected with DUOX2-related conditions. Invitae Evidence Modeling of protein sequence and biophysical properties (such as structural, functional, and spatial information, amino acid conservation, physicochemical variation, residue mobility, and thermodynamic stability) indicates that this missense variant is not expected to disrupt DUOX2 protein function with a negative predictive value of 80%. In summary, the available evidence is currently insufficient to determine the role of this variant in disease. Therefore, it has been classified as a Variant of Uncertain Significance.